The following is an entry in ClinVar:

ClinVar aggregate classification (germline): Uncertain significance (1 of 4 stars; one submission).

Conditions:
Arrhythmogenic cardiomyopathy with wooly hair and keratoderma. Also called: Carvajal syndrome; PALMOPLANTAR KERATODERMA WITH LEFT VENTRICULAR CARDIOMYOPATHY AND WOOLLY HAIR; Dilated cardiomyopathy with woolly hair and keratoderma; Arrhythmogenic cardiomyopathy with woolly hair and keratoderma. Identifiers: Orphanet 65282, MedGen C1854063, MONDO:0011581, OMIM 605676.
Arrhythmogenic right ventricular dysplasia 8 (ARVD8). Also called: Arrhythmogenic Right Ventricular Dysplasia/Cardiomyopathy 8; ARRHYTHMOGENIC RIGHT VENTRICULAR DYSPLASIA, FAMILIAL, 8; ARRHYTHMOGENIC RIGHT VENTRICULAR CARDIOMYOPATHY 8. Identifiers: MedGen C1843896, MONDO:0011831, OMIM 607450.

Submission:

Labcorp Genetics (formerly Invitae), Labcorp
Classification: Uncertain significance for Arrhythmogenic cardiomyopathy with wooly hair and keratoderma; Arrhythmogenic right ventricular dysplasia 8. Last evaluated: 2025-08-01. Review status: criteria provided, single submitter. Criteria: Invitae Variant Classification Sherloc (09022015). Collection method: clinical testing. Allele origin: germline.
Comment: This sequence change falls in intron 3 of the DSP gene. It does not directly change the encoded amino acid sequence of the DSP protein. It affects a nucleotide within the consensus splice site. This variant is not present in population databases (gnomAD no frequency). This variant has not been reported in the literature in individuals affected with DSP-related conditions. Variants that disrupt the consensus splice site are a relatively common cause of aberrant splicing (PMID: 17576681, 9536098). Algorithms developed to predict the effect of sequence changes on RNA splicing suggest that this variant is not likely to affect RNA splicing. In summary, the available evidence is currently insufficient to determine the role of this variant in disease. Therefore, it has been classified as a Variant of Uncertain Significance.

Literature cited by the submitters: PubMed 17576681; PubMed 9536098.

NM_004415.4(DSP):c.422+5T>A

Gene: DSP (desmoplakin; plus strand). Cytogenetic location: 6p24.3.
Variant type: single nucleotide variant.
Coding change: c.422+5T>A on transcript NM_004415.4 (MANE Select); 5 bases into the intron after coding-DNA position 422, T replaced by A.
Molecular consequence: intron variant.
Genome position (GRCh38, 1-based): chr6:7,558,269, T>A. VCF-style: chr6-7558269-T-A. GRCh37 (hg19) VCF-style: chr6-7558502-T-A.
Other names: c.422+5T>A (NM_001319034.2, NM_001008844.3, NM_001406591.1).
Identifiers: ClinVar variation 4785682 (VCV004785682.1).
Genomic context (GRCh38, chr6:7,558,269, plus strand): 5'-AGCTTGATCAGAGAGATGCGGCAGATGGGCCAGCCCTGTGATGCTTACCAGAAAAGGTAT[T>A]GTCCACAGAGCATGGATCGGGCAGTCCCCATGAAAAAGAACACCACATAACCAGTTACAC-3'